The following is an entry in ClinVar:

NM_001170629.2(CHD8):c.1184C>G (p.Ser395Ter)

Gene: CHD8 (chromodomain helicase DNA binding protein 8; minus strand). Cytogenetic location: 14q11.2.
Variant type: single nucleotide variant.
Coding change: c.1184C>G on transcript NM_001170629.2 (MANE Select); coding-DNA position 1184, C replaced by G.
Protein change: p.Ser395Ter; replaces serine 395 with a stop codon.
Molecular consequence: nonsense.
Genome position (GRCh38, 1-based): chr14:21,428,995, G>C on the plus strand (C>G on the coding strand, the complement: CHD8 is on the minus strand). VCF-style: chr14-21428995-G-C. GRCh37 (hg19) VCF-style: chr14-21897154-G-C.
Other names: c.347C>G, p.Ser116Ter (NM_020920.4); short protein forms S116*, S395*.
Identifiers: ClinVar variation 4845510 (VCV004845510.1).
Genomic context (GRCh38, chr14:21,428,995, plus strand): 5'-TTCTTTTCCTTACTATGTAAGTCTCTCACCTGTGGCTGCAGTACCACCTTGACTGGTACT[G>C]AAAGTCTTTGTCCTGGGCTTTGTCCTGGTCCCATTATCTGAGCCTGCTGTACAGAGGACA-3'

ClinVar aggregate classification (germline): Likely pathogenic (1 of 4 stars; one submission).

Conditions:
Intellectual developmental disorder with autism and macrocephaly. Also called: Autism, susceptibility to, 18; CHD8-Related Neurodevelopmental Disorder with Overgrowth. Identifiers: Orphanet 642675, MedGen C3554373, MONDO:0014017, OMIM 615032.

Submission:

Greenwood Genetic Center Diagnostic Laboratories, Greenwood Genetic Center
Classification: Likely pathogenic for Intellectual developmental disorder with autism and macrocephaly. Last evaluated: 2025-12-08. Review status: criteria provided, single submitter. Criteria: ACMG Guidelines, 2015. Collection method: clinical testing. Allele origin: germline. Affected: yes.
Comment: PVS1, PM2